The following is an entry in ClinVar:

NM_004839.4(HOMER2):c.795C>T (p.Ile265=)

Gene: HOMER2 (homer scaffold protein 2; minus strand). Cytogenetic location: 15q25.2.
Variant type: single nucleotide variant.
Coding change: c.795C>T on transcript NM_004839.4 (MANE Select); coding-DNA position 795, C replaced by T.
Protein change: p.Ile265=; no amino-acid change (isoleucine 265 retained).
Molecular consequence: synonymous variant.
Genome position (GRCh38, 1-based): chr15:82,851,199, G>A on the plus strand (C>T on the coding strand, the complement: HOMER2 is on the minus strand). VCF-style: chr15-82851199-G-A. GRCh37 (hg19) VCF-style: chr15-83519951-G-A.
Other names: c.828C>T, p.Ile276= (NM_199330.3).
Identifiers: ClinVar variation 3389268 (VCV003389268.14).
Genomic context (GRCh38, chr15:82,851,199, plus strand): 5'-CAACCCACGTACCTCTAGCTTCTCAGAGACATATTCGCACTCTGACATGAGCTGAGGTAT[G>A]ATTTCACTTTGTTTTCGGAGATCTTTCAGCTCCTACATGAAAAAAATTTGAGATAGAACA-3'
Protein context (NP_004830.2, residues 255-275): ELKDLRKQSE[Ile265=]IPQLMSECEY

ClinVar aggregate classification (germline): Likely benign (1 of 4 stars; one submission).

gnomAD v4.1: 27 of 1,569,954 alleles (0.0017%); highest among the groups gnomAD compares: Non-Finnish European, 0.0023%; no homozygotes.

Submission:

CeGaT Center for Human Genetics Tuebingen
Classification: Likely benign. Last evaluated: 2024-10-01. Review status: criteria provided, single submitter. Criteria: CeGaT Center For Human Genetics Tuebingen Variant Classification Criteria Version 2. Collection method: clinical testing. Allele origin: germline. Affected: yes. Observed: 1 variant allele.
Comment: HOMER2: BP4